The following is an entry in ClinVar:

ClinVar aggregate classification (germline): Benign/Likely benign. Review status: criteria provided, multiple submitters, no conflicts (2 of 4 stars). 7 submissions from 7 submitters: Benign (3); Likely benign (4). Last evaluated 2026-02-01.

Conditions:
Coffin-Siris syndrome 1 (CSS1). Also called: Mental retardation, autosomal dominant 12; ARID1B-Related Coffin-Siris Syndrome. Identifiers: Orphanet 1465, MedGen C3281201, MONDO:0007617, OMIM 135900. Disease mechanism: gain of function.
Inborn genetic diseases. Identifiers: MedGen C0950123, MeSH D030342.

Allele frequency attached by ClinVar (database versions not stated): gnomAD 0.00013; TOPMed 0.00024; ESP Exome Variant Server 0.00031; gnomAD exomes 0.00057; 1000 Genomes Project 0.00060; 1000 Genomes Project 30x 0.00062; ExAC 0.00077.
gnomAD v4.1: 503 of 1,614,216 alleles (0.031%); highest among the groups gnomAD compares: Middle Eastern, 0.31%; 3 homozygotes.

Submissions (7):

CeGaT Center for Human Genetics Tuebingen
Classification: Likely benign. Last evaluated: 2026-02-01. Review status: criteria provided, single submitter. Criteria: CeGaT Center For Human Genetics Tuebingen Variant Classification Criteria Version 2. Collection method: clinical testing. Allele origin: germline. Affected: yes. Observed: 4 variant alleles.
Comment: ARID1B: BP4, BP7

Labcorp Genetics (formerly Invitae), Labcorp
Classification: Benign. Last evaluated: 2025-12-16. Review status: criteria provided, single submitter. Criteria: Invitae Variant Classification Sherloc (09022015). Collection method: clinical testing. Allele origin: germline.

Blueprint Genetics
Classification: Likely benign. Last evaluated: 2024-11-21. Review status: criteria provided, single submitter. Criteria: ACMG Guidelines, 2015. Collection method: clinical testing. Allele origin: germline.

Genome-Nilou Lab
Classification: Benign for Coffin-Siris syndrome 1. Last evaluated: 2021-07-15. Review status: criteria provided, single submitter. Criteria: ACMG Guidelines, 2015. Collection method: clinical testing. Allele origin: germline. Affected: no.

GeneDx
Classification: Benign. Last evaluated: 2019-04-04. Review status: criteria provided, single submitter. Criteria: GeneDx Variant Classification Process June 2021. Collection method: clinical testing. Allele origin: germline. Affected: yes.

Ambry Genetics
Classification: Likely benign for Inborn genetic diseases. Last evaluated: 2017-05-25. Review status: criteria provided, single submitter. Criteria: Ambry Variant Classification Scheme 2023. Collection method: clinical testing. Allele origin: germline.

Breakthrough Genomics
Classification: Likely benign. Review status: criteria provided, single submitter. Criteria: ACMG Guidelines, 2015. Collection method: not provided. Allele origin: germline. Inheritance: Autosomal dominant inheritance. Affected: yes.

NM_001374828.1(ARID1B):c.1881G>A (p.Pro627=)

Gene: ARID1B (AT-rich interaction domain 1B; plus strand). Cytogenetic location: 6q25.3.
Variant type: single nucleotide variant.
Coding change: c.1881G>A on transcript NM_001374828.1 (MANE Select); coding-DNA position 1881, G replaced by A.
Protein change: p.Pro627=; no amino-acid change (proline 627 retained).
Molecular consequence: synonymous variant.
Genome position (GRCh38, 1-based): chr6:156,829,316, G>A. VCF-style: chr6-156829316-G-A. GRCh37 (hg19) VCF-style: chr6-157150450-G-A.
Other names: c.1881G>A, p.Pro627= (NM_001371656.1, NM_001374820.1, NM_017519.3); c.1632G>A, p.Pro544= (NM_020732.3).
Identifiers: ClinVar variation 589654 (VCV000589654.80), dbSNP rs142939952, ClinGen allele CA4066836.
Genomic context (GRCh38, chr6:156,829,316, plus strand): 5'-GAGACCTCAGTTGTATGGCATGGGCAGTAACCCTCATTCTCAGCCTCAGCAGAGCAGTCC[G>A]TACCCAGGAGGTTCCTATGGCCCTCCAGGCCCACAGCGGTATCCAATTGGCATCCAGGGT-3'
Protein context (NP_001361757.1, residues 617-637): NPHSQPQQSS[Pro627=]YPGGSYGPPG